The following is an entry in ClinVar:

ClinVar aggregate classification (germline): Uncertain significance (1 of 4 stars; one submission).

Submission:

Genetic Services Laboratory, University of Chicago
Classification: Uncertain significance. Last evaluated: 2024-08-09. Review status: criteria provided, single submitter. Criteria: ACMG Guidelines, 2015. Collection method: clinical testing. Allele origin: germline. Affected: no.
Comment: DNA sequence analysis of the ACD gene demonstrated a 4 base pair deletion in exon 1, c.89_92dup. This sequence change results in an amino acid frameshift and creates a premature stop codon 2 amino acids downstream of the change, p.Leu32Alafs*3. This sequence change is predicted to result in an abnormal transcript, which may be degraded, or may lead to the production of a truncated ACD protein with potentially abnormal function. The c.89_92dup sequence change has been described in the gnomAD database with a frequency of 0.0002% in the global population (dbSNP rs1567642622). This sequence change does not appear to have been previously described in individuals with ACD-related disorders. To date, the majority of pathogenic variants previously described in the ACD gene have been missense sequence changes. Due to the limited information on truncating variants in this gene in affected individuals, the functional significance of this sequence change is not known at present and its contribution to this individual's disease phenotype cannot definitively be determined.

NM_001082486.2(ACD):c.89_92dup (p.Leu32fs)

Gene: ACD (ACD shelterin complex subunit and telomerase recruitment factor; minus strand). Cytogenetic location: 16q22.1.
Variant type: Duplication.
Coding change: c.89_92dup on transcript NM_001082486.2 (MANE Select); coding-DNA positions 89 to 92, 4 bases duplicated (AGCT; older notation c.89_92dupAGCT).
Protein change: p.Leu32fs; shifts the reading frame from leucine 32.
Molecular consequence: frameshift variant.
Genome position (GRCh38, 1-based): chr16:67,660,129-67,660,132, AGCT duplicated on the plus strand (AGCT on the coding strand, the reverse complement: ACD is on the minus strand). VCF-style (leftmost placement, unchanged base first): chr16-67660128-C-CAGCT. GRCh37 (hg19) VCF-style: chr16-67694031-C-CAGCT.
Other names: c.89_92dup, p.Leu32fs (NM_001410884.1, NM_022914.3); short protein forms L32fs.
Identifiers: ClinVar variation 4082526 (VCV004082526.2).
Genomic context (GRCh38, chr16:67,660,128, plus strand): 5'-ATCCCACCACCCCGGGCCTCCGCCTCGGTCTCCGGGCCCTGAATGGGGGCTCACCTCAAG[C>CAGCT]AGCTGCCCGGCTCGTGGACTGGAGGGTGTCTCTGACCCCAGAATCAGCTCCCGAATCCAG-3'